The following is an entry in ClinVar:

ClinVar aggregate classification (germline): Uncertain significance. Review status: criteria provided, multiple submitters, no conflicts (2 of 4 stars). 2 submissions from 2 submitters: Uncertain significance (2). Last evaluated 2025-04-12.

Conditions:
Cardiovascular phenotype. Identifiers: MedGen CN230736.
RASopathy. Also called: Noonan spectrum disorder; rasopathies. Identifiers: Orphanet 536391, MedGen C5555857, MONDO:0021060.

Allele frequency attached by ClinVar (database versions not stated): gnomAD exomes below 0.00001.
gnomAD v4.1: 2 of 1,613,786 alleles (0.00012%); highest among the groups gnomAD compares: African/African-American, 0.0027%; no homozygotes.

Submissions (2):

Ambry Genetics
Classification: Uncertain significance for Cardiovascular phenotype. Last evaluated: 2025-04-12. Review status: criteria provided, single submitter. Criteria: Ambry Variant Classification Scheme 2023. Collection method: clinical testing. Allele origin: germline.
Comment: The p.Y1192F variant (also known as c.3575A>T), located in coding exon 23 of the SOS1 gene, results from an A to T substitution at nucleotide position 3575. The tyrosine at codon 1192 is replaced by phenylalanine, an amino acid with highly similar properties. This amino acid position is conserved. In addition, this alteration is predicted to be tolerated by in silico analysis. Based on the available evidence, the clinical significance of this variant remains unclear.

Labcorp Genetics (formerly Invitae), Labcorp
Classification: Uncertain significance for RASopathy. Last evaluated: 2023-03-14. Review status: criteria provided, single submitter. Criteria: Invitae Variant Classification Sherloc (09022015). Collection method: clinical testing. Allele origin: germline.
Comment: In summary, the available evidence is currently insufficient to determine the role of this variant in disease. Therefore, it has been classified as a Variant of Uncertain Significance. Advanced modeling of protein sequence and biophysical properties (such as structural, functional, and spatial information, amino acid conservation, physicochemical variation, residue mobility, and thermodynamic stability) performed at Invitae indicates that this missense variant is not expected to disrupt SOS1 protein function. This variant has not been reported in the literature in individuals affected with SOS1-related conditions. This variant is not present in population databases (gnomAD no frequency). This sequence change replaces tyrosine, which is neutral and polar, with phenylalanine, which is neutral and non-polar, at codon 1192 of the SOS1 protein (p.Tyr1192Phe).

NM_005633.4(SOS1):c.3575A>T (p.Tyr1192Phe)

Gene: SOS1 (SOS Ras/Rac guanine nucleotide exchange factor 1; minus strand). Cytogenetic location: 2p22.1.
Variant type: single nucleotide variant.
Coding change: c.3575A>T on transcript NM_005633.4 (MANE Select); coding-DNA position 3575, A replaced by T.
Protein change: p.Tyr1192Phe; replaces tyrosine 1192 with phenylalanine.
Molecular consequence: missense variant.
Genome position (GRCh38, 1-based): chr2:38,986,251, T>A on the plus strand (A>T on the coding strand, the complement: SOS1 is on the minus strand). VCF-style: chr2-38986251-T-A. GRCh37 (hg19) VCF-style: chr2-39213392-T-A.
Other names: c.3554A>T, p.Tyr1185Phe (NM_001382394.1); c.3530A>T, p.Tyr1177Phe (NM_001382395.1); short protein forms Y1177F, Y1185F, Y1192F.
Identifiers: ClinVar variation 2813251 (VCV002813251.4), dbSNP rs2528872567, ClinGen allele CA346362834.